The following is an entry in ClinVar:

NM_006831.3(CLP1):c.798G>A (p.Leu266=)

Gene: CLP1 (cleavage factor polyribonucleotide kinase subunit 1; plus strand). Cytogenetic location: 11q12.1.
Variant type: single nucleotide variant.
Coding change: c.798G>A on transcript NM_006831.3 (MANE Select); coding-DNA position 798, G replaced by A.
Protein change: p.Leu266=; no amino-acid change (leucine 266 retained).
Molecular consequence: synonymous variant.
Genome position (GRCh38, 1-based): chr11:57,660,956, G>A. VCF-style: chr11-57660956-G-A. GRCh37 (hg19) VCF-style: chr11-57428428-G-A.
Other names: c.606G>A, p.Leu202= (NM_001142597.2).
Identifiers: ClinVar variation 388996 (VCV000388996.15), dbSNP rs17152015, ClinGen allele CA6008583.

ClinVar aggregate classification (germline): Benign. Review status: criteria provided, multiple submitters, no conflicts (2 of 4 stars). 4 submissions from 4 submitters: Benign (3). 1 of the submissions does not count toward it. Last evaluated 2026-01-25.

Conditions:
CLP1-related disorder. Also called: CLP1-related condition.

Allele frequency attached by ClinVar (database versions not stated): gnomAD exomes 0.00098 and 0.00252; ExAC 0.00309; gnomAD 0.01019 and 0.01097; 1000 Genomes Project 0.01038; 1000 Genomes Project 30x 0.01093; TOPMed 0.01160; ESP Exome Variant Server 0.01308.

Submissions (4):

Labcorp Genetics (formerly Invitae), Labcorp
Classification: Benign. Last evaluated: 2026-01-25. Review status: criteria provided, single submitter. Criteria: Invitae Variant Classification Sherloc (09022015). Collection method: clinical testing. Allele origin: germline.

GeneDx
Classification: Benign. Last evaluated: 2016-10-27. Review status: criteria provided, single submitter. Criteria: GeneDx Variant Classification (06012015). Collection method: clinical testing. Allele origin: germline. Affected: yes.
Comment: This variant is considered likely benign or benign based on one or more of the following criteria: it is a conservative change, it occurs at a poorly conserved position in the protein, it is predicted to be benign by multiple in silico algorithms, and/or has population frequency not consistent with disease.

Breakthrough Genomics
Classification: Benign. Review status: criteria provided, single submitter. Criteria: ACMG Guidelines, 2015. Collection method: not provided. Allele origin: germline. Inheritance: Autosomal recessive inheritance. Affected: yes.

PreventionGenetics, part of Exact Sciences
Classification: Benign for CLP1-related condition. Last evaluated: 2019-12-23. Review status: no assertion criteria provided. Collection method: clinical testing. Allele origin: germline. Not counted in ClinVar's aggregate classification.
Comment: This variant is classified as benign based on ACMG/AMP sequence variant interpretation guidelines (Richards et al. 2015 PMID: 25741868, with internal and published modifications).